The following is an entry in ClinVar:

NM_001348716.2(KDM6B):c.184C>A (p.Pro62Thr)

Gene: KDM6B (lysine demethylase 6B; plus strand). Cytogenetic location: 17p13.1.
Variant type: single nucleotide variant.
Coding change: c.184C>A on transcript NM_001348716.2 (MANE Select); coding-DNA position 184, C replaced by A.
Protein change: p.Pro62Thr; replaces proline 62 with threonine.
Molecular consequence: missense variant.
Genome position (GRCh38, 1-based): chr17:7,845,918, C>A. VCF-style: chr17-7845918-C-A. GRCh37 (hg19) VCF-style: chr17-7749236-C-A.
Other names: c.184C>A, p.Pro62Thr (NM_001080424.2); short protein forms P62T.
Identifiers: ClinVar variation 2501463 (VCV002501463.1), dbSNP rs144535196, ClinGen allele CA397910590.
Genomic context (GRCh38, chr17:7,845,918, plus strand): 5'-CCTTCTCTCTCCAGATGCTCAGCCAGCATTGGGCAGCCCCCGCTTCCTGCTCCCCTACCC[C>A]CTTCACATGGCAGTAGTTCTGGGCACCCCAGCAAACCATATTATGCTCCAGGGTGAGTGG-3'
Protein context (NP_001335645.1, residues 52-72): GQPPLPAPLP[Pro62Thr]SHGSSSGHPS

ClinVar aggregate classification (germline): Uncertain significance (1 of 4 stars; one submission).

gnomAD v4.1: 2 of 1,614,172 alleles (0.00012%); highest among the groups gnomAD compares: Non-Finnish European, 0.00017%; no homozygotes.

Submission:

GeneDx
Classification: Uncertain significance. Last evaluated: 2022-11-08. Review status: criteria provided, single submitter. Criteria: GeneDx Variant Classification Process June 2021. Collection method: clinical testing. Allele origin: germline. Affected: yes.
Comment: Not observed at significant frequency in large population cohorts (gnomAD); In silico analysis supports that this missense variant does not alter protein structure/function; Has not been previously published as pathogenic or benign to our knowledge